The following is an entry in ClinVar:

ClinVar aggregate classification (germline): Likely benign (1 of 4 stars; one submission).

Allele frequency attached by ClinVar (database versions not stated): ExAC 0.00001; gnomAD exomes 0.00001.
gnomAD v4.1: 3 of 1,612,384 alleles (0.00019%); highest among the groups gnomAD compares: South Asian, 0.0033%; no homozygotes.

Submission:

CeGaT Center for Human Genetics Tuebingen
Classification: Likely benign. Last evaluated: 2022-12-01. Review status: criteria provided, single submitter. Criteria: CeGaT Center For Human Genetics Tuebingen Variant Classification Criteria Version 2. Collection method: clinical testing. Allele origin: germline. Affected: yes. Observed: 1 variant allele.
Comment: NEMF: BP4, BP7

NM_004713.6(NEMF):c.3195G>T (p.Val1065=)

Genes: KLHDC2 (kelch domain containing 2; plus strand), NEMF (nuclear export mediator factor; minus strand). Cytogenetic location: 14q21.3.
Variant type: single nucleotide variant.
Coding change: c.3195G>T on transcript NM_004713.6 (MANE Select); coding-DNA position 3195, G replaced by T.
Protein change: p.Val1065=; no amino-acid change (valine 1065 retained).
Molecular consequence: synonymous variant. On other transcripts: 3 prime UTR variant (1).
Genome position (GRCh38, 1-based): chr14:49,784,672, C>A on the plus strand (G>T on the coding strand, the complement: NEMF is on the minus strand). VCF-style: chr14-49784672-C-A. GRCh37 (hg19) VCF-style: chr14-50251390-C-A.
Other names: c.*1719C>A (NM_014315.3); c.3132G>T, p.Val1044= (NM_001301732.3).
Identifiers: ClinVar variation 2644214 (VCV002644214.24), dbSNP rs757298499, ClinGen allele CA7174680.